The following is an entry in ClinVar:

NM_001267550.2(TTN):c.31763-20T>G

Gene: TTN (titin; minus strand). Cytogenetic location: 2q31.2.
Variant type: single nucleotide variant.
Coding change: c.31763-20T>G on transcript NM_001267550.2 (MANE Select); 20 bases into the intron before coding-DNA position 31763, T replaced by G.
Molecular consequence: intron variant.
Genome position (GRCh38, 1-based): chr2:178,689,916, A>C on the plus strand (T>G on the coding strand, the complement: TTN is on the minus strand). VCF-style: chr2-178689916-A-C. GRCh37 (hg19) VCF-style: chr2-179554643-A-C.
Other names: c.13283-47599T>G (NM_003319.4); c.13859-47599T>G (NM_133437.4); c.13658-47599T>G (NM_133432.3); c.28031-20T>G (NM_133378.4); c.30812-20T>G (NM_001256850.1).
Identifiers: ClinVar variation 514159 (VCV000514159.1), dbSNP rs1553853679, ClinGen allele CA658796022.
Genomic context (GRCh38, chr2:178,689,916, plus strand): 5'-AATCTTTTCTTCAGGGACAGGTTTCTTTGGCACCTCTGGGACTTAAAGTTTTTGAAACAC[A>C]ATGTTAGTTCAGACATATATCACTTTTATGAAAGAACATAGGCACATGCACAAATCTTTA-3'

ClinVar aggregate classification (germline): Likely benign (1 of 4 stars; one submission).

Allele frequency attached by ClinVar (database versions not stated): gnomAD 0.00001.

Submission:

GeneDx
Classification: Likely benign. Last evaluated: 2017-12-12. Review status: criteria provided, single submitter. Criteria: GeneDx Variant Classification (06012015). Collection method: clinical testing. Allele origin: germline. Affected: yes.
Comment: This variant is considered likely benign or benign based on one or more of the following criteria: it is a conservative change, it occurs at a poorly conserved position in the protein, it is predicted to be benign by multiple in silico algorithms, and/or has population frequency not consistent with disease.